The following is an entry in ClinVar:

ClinVar aggregate classification (germline): Benign (1 of 4 stars; one submission).

Conditions:
Leigh syndrome (NULS). Also called: Leigh's necrotizing encephalopathy; Leigh's disease; Leigh Syndrome (mtDNA deletion); Leigh Disease; Subacute necrotizing encephalopathy; Necrotizing encephalopathy infantile subacute of Leigh. Identifiers: Orphanet 506, MedGen C2931891, MONDO:0009723, OMIM 256000.

Submission:

Wong Mito Lab, Molecular and Human Genetics, Baylor College of Medicine
Classification: Benign for Leigh syndrome. Last evaluated: 2019-10-17. Review status: criteria provided, single submitter. Criteria: Modified ACMG Guidelines (Unpublished). Collection method: clinical testing. Allele origin: germline.
Comment: The NC_012920.1:m.12820G>A (YP_003024036.1:p.Ala162Thr) variant in MTND5 gene is interpretated to be a Benign variant based on the modified ACMG guidelines (unpublished). This variant meets the following evidence codes: BS1, BS4, BP4

NC_012920.1(MT-ND5):m.12820G>A

Gene: MT-ND5 (mitochondrially encoded NADH dehydrogenase 5; plus strand).
Variant type: single nucleotide variant.
Genome position: chrM-12820-G-A.
Identifiers: ClinVar variation 693486 (VCV000693486.1), dbSNP rs200567053, ClinGen allele CA337099547.